The following is an entry in ClinVar:

ClinVar aggregate classification (germline): Uncertain significance. Review status: criteria provided, multiple submitters, no conflicts (2 of 4 stars). 6 submissions from 6 submitters: Uncertain significance (6). Last evaluated 2025-10-19.

Conditions:
Hereditary cancer-predisposing syndrome. Also called: Hereditary Cancer Syndrome; Neoplastic Syndromes, Hereditary; Hereditary neoplastic syndrome; Tumor predisposition. Identifiers: Orphanet 140162, MedGen C0027672, MeSH D009386, MONDO:0015356.
POLD1-related polyposis and colorectal cancer syndrome (CRCS10). Also called: COLORECTAL CANCER, SUSCEPTIBILITY TO, ON CHROMOSOME 19q; Colorectal cancer 10; Colorectal cancer, susceptibility to, 10. Identifiers: Orphanet 220460, MedGen C2675481, MONDO:0012953, OMIM 612591.
Mandibular hypoplasia-deafness-progeroid syndrome. Also called: Mandibular hypoplasia, deafness, progeroid features, and lipodystrophy syndrome. Identifiers: Orphanet 363649, MedGen C3715192, MONDO:0014157, OMIM 615381.

Allele frequency attached by ClinVar (database versions not stated): gnomAD exomes below 0.00001.

Submissions (6):

Labcorp Genetics (formerly Invitae), Labcorp
Classification: Uncertain significance for POLD1-related polyposis and colorectal cancer syndrome. Last evaluated: 2025-10-19. Review status: criteria provided, single submitter. Criteria: Invitae Variant Classification Sherloc (09022015). Collection method: clinical testing. Allele origin: germline.
Comment: This sequence change replaces glutamine, which is neutral and polar, with glutamic acid, which is acidic and polar, at codon 456 of the POLD1 protein (p.Gln456Glu). This variant is present in population databases (no rsID available, gnomAD 0.007%). This variant has not been reported in the literature in individuals affected with POLD1-related conditions. ClinVar contains an entry for this variant (Variation ID: 239232). Invitae Evidence Modeling of protein sequence and biophysical properties (such as structural, functional, and spatial information, amino acid conservation, physicochemical variation, residue mobility, and thermodynamic stability) indicates that this missense variant is not expected to disrupt POLD1 protein function with a negative predictive value of 80%. In summary, the available evidence is currently insufficient to determine the role of this variant in disease. Therefore, it has been classified as a Variant of Uncertain Significance.

Quest Diagnostics Nichols Institute San Juan Capistrano
Classification: Uncertain significance. Last evaluated: 2025-06-18. Review status: criteria provided, single submitter. Criteria: Quest Diagnostics criteria. Collection method: clinical testing. Allele origin: unknown.
Comment: The POLD1 c.1366C>G (p.Gln456Glu) variant has not been reported in individuals with POLD1-related conditions in the published literature. The frequency of this variant in the general population (Genome Aggregation Database) is uninformative in the assessment of its pathogenicity. Analysis of this variant using bioinformatics tools for the prediction of the effect of amino acid changes on protein structure and function yielded predictions that this variant is benign. Based on the available information, we are unable to determine the clinical significance of this variant.

Ambry Genetics
Classification: Uncertain significance for Hereditary cancer-predisposing syndrome. Last evaluated: 2025-05-29. Review status: criteria provided, single submitter. Criteria: Ambry Variant Classification Scheme 2023. Collection method: clinical testing. Allele origin: germline.
Comment: The p.Q456E variant (also known as c.1366C>G), located in coding exon 10 of the POLD1 gene, results from a C to G substitution at nucleotide position 1366. The glutamine at codon 456 is replaced by glutamic acid, an amino acid with highly similar properties. This amino acid position is well conserved in available vertebrate species. In addition, this alteration is predicted to be tolerated by in silico analysis. Based on the available evidence, the clinical significance of this variant remains unclear.

Baylor Genetics
Classification: Uncertain significance for POLD1-related polyposis and colorectal cancer syndrome. Last evaluated: 2023-10-15. Review status: criteria provided, single submitter. Criteria: ACMG Guidelines, 2015. Collection method: clinical testing. Allele origin: unknown.

GeneDx
Classification: Uncertain significance. Last evaluated: 2023-09-13. Review status: criteria provided, single submitter. Criteria: GeneDx Variant Classification Process June 2021. Collection method: clinical testing. Allele origin: germline. Affected: yes.
Comment: Not observed at significant frequency in large population cohorts (gnomAD); In silico analysis supports that this missense variant does not alter protein structure/function; Has not been previously published as pathogenic or benign to our knowledge; This variant is associated with the following publications: (PMID: 32041611, 20951805)

Fulgent Genetics
Classification: Uncertain significance for POLD1-related polyposis and colorectal cancer syndrome; Mandibular hypoplasia-deafness-progeroid syndrome. Last evaluated: 2021-09-09. Review status: criteria provided, single submitter. Criteria: ACMG Guidelines, 2015. Collection method: clinical testing. Allele origin: unknown.

Literature cited by the submitters: PubMed 32041611 (cited by Quest Diagnostics Nichols Institute San Juan Capistrano); PubMed 31034466 (cited by Quest Diagnostics Nichols Institute San Juan Capistrano).

NM_002691.4(POLD1):c.1366C>G (p.Gln456Glu)

Gene: POLD1 (DNA polymerase delta 1, catalytic subunit; plus strand). Cytogenetic location: 19q13.33.
Variant type: single nucleotide variant.
Coding change: c.1366C>G on transcript NM_002691.4 (MANE Select); coding-DNA position 1366, C replaced by G.
Protein change: p.Gln456Glu; replaces glutamine 456 with glutamic acid.
Molecular consequence: missense variant. On other transcripts: non-coding transcript variant (1).
Genome position (GRCh38, 1-based): chr19:50,406,305, C>G. VCF-style: chr19-50406305-C-G. GRCh37 (hg19) VCF-style: chr19-50909562-C-G.
Other names: c.1366C>G, p.Gln456Glu (NM_001256849.1, NM_001308632.1); short protein forms Q456E.
Identifiers: ClinVar variation 239232 (VCV000239232.21), dbSNP rs878854520, ClinGen allele CA10583826.